The following is an entry in ClinVar:

ClinVar aggregate classification (germline): Benign (0 of 4 stars; one submission).

Conditions:
ZMYM6-related disorder. Also called: ZMYM6-related condition.

Allele frequency attached by ClinVar (database versions not stated): gnomAD exomes 0.00044; ExAC 0.00146; 1000 Genomes Project 30x 0.00219; ESP Exome Variant Server 0.00261; 1000 Genomes Project 0.00280; gnomAD 0.00353; TOPMed 0.00397.
gnomAD v4.1: 1,209 of 1,550,370 alleles (0.078%); highest among the groups gnomAD compares: African/African-American, 1.2%; 8 homozygotes.

Submission:

PreventionGenetics, part of Exact Sciences
Classification: Benign for ZMYM6-related condition. Last evaluated: 2019-05-16. Review status: no assertion criteria provided. Collection method: clinical testing. Allele origin: germline.
Comment: This variant is classified as benign based on ACMG/AMP sequence variant interpretation guidelines (Richards et al. 2015 PMID: 25741868, with internal and published modifications).

NM_007167.4(ZMYM6):c.2806C>T (p.Arg936Cys)

Gene: ZMYM6 (zinc finger MYM-type containing 6; minus strand). Cytogenetic location: 1p34.3.
Variant type: single nucleotide variant.
Coding change: c.2806C>T on transcript NM_007167.4 (MANE Select); coding-DNA position 2806, C replaced by T.
Protein change: p.Arg936Cys; replaces arginine 936 with cysteine.
Molecular consequence: missense variant.
Genome position (GRCh38, 1-based): chr1:34,988,276, G>A on the plus strand (C>T on the coding strand, the complement: ZMYM6 is on the minus strand). VCF-style: chr1-34988276-G-A. GRCh37 (hg19) VCF-style: chr1-35453877-G-A.
Other names: short protein forms R936C.
Identifiers: ClinVar variation 3041852 (VCV003041852.2), dbSNP rs141138840, ClinGen allele CA756253.